The following is an entry in ClinVar:

ClinVar aggregate classification (germline): Uncertain significance (1 of 4 stars; one submission).

Conditions:
Juvenile polyposis syndrome (JPS). Identifiers: Orphanet 2929, MedGen C0345893, MONDO:0017380, OMIM 174900.

Allele frequency attached by ClinVar (database versions not stated): gnomAD exomes below 0.00001.
gnomAD v4.1: 1 of 1,612,894 alleles (0.000062%); highest among the groups gnomAD compares: Non-Finnish European, 0.000085%; no homozygotes.

Submission:

Labcorp Genetics (formerly Invitae), Labcorp
Classification: Uncertain significance for Juvenile polyposis syndrome. Last evaluated: 2022-12-30. Review status: criteria provided, single submitter. Criteria: Invitae Variant Classification Sherloc (09022015). Collection method: clinical testing. Allele origin: germline.
Comment: In summary, the available evidence is currently insufficient to determine the role of this variant in disease. Therefore, it has been classified as a Variant of Uncertain Significance. Advanced modeling of protein sequence and biophysical properties (such as structural, functional, and spatial information, amino acid conservation, physicochemical variation, residue mobility, and thermodynamic stability) performed at Invitae indicates that this missense variant is not expected to disrupt BMPR1A protein function. This variant has not been reported in the literature in individuals affected with BMPR1A-related conditions. This variant is not present in population databases (gnomAD no frequency). This sequence change replaces leucine, which is neutral and non-polar, with valine, which is neutral and non-polar, at codon 26 of the BMPR1A protein (p.Leu26Val).

NM_004329.3(BMPR1A):c.76C>G (p.Leu26Val)

Gene: BMPR1A (bone morphogenetic protein receptor type 1A; plus strand). Cytogenetic location: 10q23.2.
Variant type: single nucleotide variant.
Coding change: c.76C>G on transcript NM_004329.3 (MANE Select); coding-DNA position 76, C replaced by G.
Protein change: p.Leu26Val; replaces leucine 26 with valine.
Molecular consequence: missense variant. On other transcripts: 5 prime UTR variant (5), non-coding transcript variant (3).
Genome position (GRCh38, 1-based): chr10:86,890,070, C>G. VCF-style: chr10-86890070-C-G. GRCh37 (hg19) VCF-style: chr10-88649827-C-G.
Other names: c.76C>G, p.Leu26Val (NM_001406559.1, NM_001406560.1, NM_001406561.1 and 23 more transcripts); c.-9C>G (NM_001406584.1, NM_001406585.1, NM_001406586.1 and 2 more transcripts); short protein forms L26V.
Identifiers: ClinVar variation 2824907 (VCV002824907.3), dbSNP rs2539429870, ClinGen allele CA377446240.